The following is an entry in ClinVar:

NM_005502.4(ABCA1):c.6076G>A (p.Glu2026Lys)

Genes: ABCA1 (ATP binding cassette subfamily A member 1; minus strand), NIPSNAP3B (nipsnap homolog 3B; plus strand). Cytogenetic location: 9q31.1.
Variant type: single nucleotide variant.
Coding change: c.6076G>A on transcript NM_005502.4 (MANE Select); coding-DNA position 6076, G replaced by A.
Protein change: p.Glu2026Lys; replaces glutamic acid 2026 with lysine.
Molecular consequence: missense variant.
Genome position (GRCh38, 1-based): chr9:104,788,048, C>T on the plus strand (G>A on the coding strand, the complement: ABCA1 is on the minus strand). VCF-style: chr9-104788048-C-T. GRCh37 (hg19) VCF-style: chr9-107550329-C-T.
Other names: short protein forms E2026K.
Identifiers: ClinVar variation 3834305 (VCV003834305.1).

ClinVar aggregate classification (germline): Uncertain significance (1 of 4 stars; one submission).

Conditions:
Cardiovascular phenotype. Identifiers: MedGen CN230736.

Submission:

Ambry Genetics
Classification: Uncertain significance for Cardiovascular phenotype. Last evaluated: 2025-02-13. Review status: criteria provided, single submitter. Criteria: Ambry Variant Classification Scheme 2023. Collection method: clinical testing. Allele origin: germline.
Comment: The p.E2026K variant (also known as c.6076G>A), located in coding exon 45 of the ABCA1 gene, results from a G to A substitution at nucleotide position 6076. The glutamic acid at codon 2026 is replaced by lysine, an amino acid with similar properties. This amino acid position is conserved. In addition, the in silico prediction for this alteration is inconclusive. Based on the available evidence, the clinical significance of this variant remains unclear.